The following is an entry in ClinVar:

NM_005458.8(GABBR2):c.2752_2763del (p.914CVSP[1])

Gene: GABBR2 (gamma-aminobutyric acid type B receptor subunit 2; minus strand). Cytogenetic location: 9q22.33.
Variant type: Deletion.
Coding change: c.2752_2763del on transcript NM_005458.8 (MANE Select); coding-DNA positions 2752 to 2763, 12 bases deleted (TGCGTCAGCCCC).
Protein change: p.914CVSP[1].
Molecular consequence: inframe deletion.
Genome position (GRCh38, 1-based): chr9:98,290,647-98,290,658, GGGGCTGACGCA deleted on the plus strand (TGCGTCAGCCCC on the coding strand, the reverse complement: GABBR2 is on the minus strand); deleting any 12 consecutive bases within chr9:98,290,647-98,290,667 gives the same sequence; the c. name uses the placement nearest the transcript's 3' end. VCF-style (leftmost placement, unchanged base first): chr9-98290646-TGGGGCTGACGCA-T. GRCh37 (hg19) VCF-style: chr9-101052928-TGGGGCTGACGCA-T.
Other names: c.2752_2763delTGCGTCAGCCCC (NM_005458.7).
Identifiers: ClinVar variation 964550 (VCV000964550.13), dbSNP rs772966955, ClinGen allele CA5152370.

ClinVar aggregate classification (germline): Uncertain significance. Review status: criteria provided, multiple submitters, no conflicts (2 of 4 stars). 2 submissions from 2 submitters: Uncertain significance (2). Last evaluated 2023-05-25.

Conditions:
Neurodevelopmental disorder with poor language and loss of hand skills. Identifiers: MedGen C4693546, MONDO:0060659, OMIM 617903.
Developmental and epileptic encephalopathy, 59. Also called: Early infantile epileptic encephalopathy 59. Identifiers: MedGen C4693550, MONDO:0033368, OMIM 617904.
Epileptic encephalopathy. Identifiers: MedGen C0543888, HP:0200134.

Submissions (2):

Labcorp Genetics (formerly Invitae), Labcorp
Classification: Uncertain significance for Epileptic encephalopathy. Last evaluated: 2023-05-25. Review status: criteria provided, single submitter. Criteria: Invitae Variant Classification Sherloc (09022015). Collection method: clinical testing. Allele origin: germline.
Comment: The frequency data for this variant in the population databases is considered unreliable, as metrics indicate poor data quality at this position in the gnomAD database. This variant, c.2752_2763del, results in the deletion of 4 amino acid(s) of the GABBR2 protein (p.Cys918_Pro921del), but otherwise preserves the integrity of the reading frame. This variant has not been reported in the literature in individuals affected with GABBR2-related conditions. In summary, the available evidence is currently insufficient to determine the role of this variant in disease. Therefore, it has been classified as a Variant of Uncertain Significance. Experimental studies and prediction algorithms are not available or were not evaluated, and the functional significance of this variant is currently unknown. ClinVar contains an entry for this variant (Variation ID: 964550).

Laboratorio de Genetica e Diagnostico Molecular, Hospital Israelita Albert Einstein
Classification: Uncertain significance for Developmental and epileptic encephalopathy, 59. Last evaluated: 2022-03-02. Review status: criteria provided, single submitter. Criteria: ACMG Guidelines, 2015. Collection method: clinical testing. Allele origin: germline. Affected: yes.
Comment: ACMG classification criteria: PM2 moderated, PM4